The following is an entry in ClinVar:

NM_001170738.2(IQSEC3):c.2593G>A (p.Val865Met)

Gene: IQSEC3 (IQ motif and Sec7 domain ArfGEF 3; plus strand). Cytogenetic location: 12p13.33.
Variant type: single nucleotide variant.
Coding change: c.2593G>A on transcript NM_001170738.2 (MANE Select); coding-DNA position 2593, G replaced by A.
Protein change: p.Val865Met; replaces valine 865 with methionine.
Molecular consequence: missense variant.
Genome position (GRCh38, 1-based): chr12:163,503, G>A. VCF-style: chr12-163503-G-A. GRCh37 (hg19) VCF-style: chr12-272669-G-A.
Other names: c.1684G>A, p.Val562Met (NM_015232.2); short protein forms V562M, V865M.
Identifiers: ClinVar variation 3039384 (VCV003039384.3), dbSNP rs139400594, ClinGen allele CA6376640.
Genomic context (GRCh38, chr12:163,503, plus strand): 5'-GAGGCCTCCAGGCCTCTGGTCTCTCCCGCTGAGCGCCCTGCCCGCGTGCAGGTGCTGTCC[G>A]TGCCCCACCGCCGCCTGGTGTGCTGCAGCCGGCTCTTCGAGGTGACGGATGTGAACAAGC-3'
Protein context (NP_001164209.1, residues 855-875): SIVGMKTVLS[Val865Met]PHRRLVCCSR

ClinVar aggregate classification (germline): Uncertain significance. Review status: criteria provided, single submitter (1 of 4 stars). 2 submissions from 2 submitters: Uncertain significance (1). 1 of the submissions does not count toward it. Last evaluated 2025-08-09.

Conditions:
IQSEC3-related disorder. Also called: IQSEC3-related condition.

Allele frequency attached by ClinVar (database versions not stated): 1000 Genomes Project 0.00080; 1000 Genomes Project 30x 0.00094; TOPMed 0.00117; gnomAD 0.00119; ESP Exome Variant Server 0.00138; gnomAD exomes 0.00143; ExAC 0.00173.
gnomAD v4.1: 2,229 of 1,608,218 alleles (0.14%); highest among the groups gnomAD compares: Non-Finnish European, 0.16%; 4 homozygotes.

Submissions (2):

Ambry Genetics
Classification: Uncertain significance. Last evaluated: 2025-08-09. Review status: criteria provided, single submitter. Criteria: Ambry Variant Classification Scheme 2023. Collection method: clinical testing. Allele origin: germline.

PreventionGenetics, part of Exact Sciences
Classification: Likely benign for IQSEC3-related condition. Last evaluated: 2022-06-08. Review status: no assertion criteria provided. Collection method: clinical testing. Allele origin: germline. Not counted in ClinVar's aggregate classification.
Comment: This variant is classified as likely benign based on ACMG/AMP sequence variant interpretation guidelines (Richards et al. 2015 PMID: 25741868, with internal and published modifications).